The following is an entry in ClinVar:

ClinVar aggregate classification (germline): Uncertain significance (1 of 4 stars; one submission).

Conditions:
Ichthyosis and erythrokeratoderma.

gnomAD v4.1: 1 of 1,614,156 alleles (0.000062%); highest among the groups gnomAD compares: South Asian, 0.0011%; no homozygotes.

Submission:

Genetics Laboratory, Great Ormond Street Hospital NHS Foundation Trust, North Thames Genomic Laboratory Hub
Classification: Uncertain significance for Ichthyosis and erythrokeratoderma. Last evaluated: 2026-04-10. Review status: criteria provided, single submitter. Criteria: ACGS Best Practice Guidelines for Variant Classification in Rare Disease 2024 v1.2. Collection method: clinical testing. Allele origin: germline. Affected: yes.
Comment: PM2_moderate, PP3_supporting, PM3_supporting

NM_173483.4(CYP4F22):c.1345C>T (p.Pro449Ser)

Gene: CYP4F22 (cytochrome P450 family 4 subfamily F member 22; plus strand). Cytogenetic location: 19p13.12.
Variant type: single nucleotide variant.
Coding change: c.1345C>T on transcript NM_173483.4 (MANE Select); coding-DNA position 1345, C replaced by T.
Protein change: p.Pro449Ser; replaces proline 449 with serine.
Molecular consequence: missense variant.
Genome position (GRCh38, 1-based): chr19:15,550,683, C>T. VCF-style: chr19-15550683-C-T. GRCh37 (hg19) VCF-style: chr19-15661494-C-T.
Other names: short protein forms P449S.
Identifiers: ClinVar variation 4852812 (VCV004852812.1).